The following is an entry in ClinVar:

ClinVar aggregate classification (germline): Uncertain significance. Review status: criteria provided, single submitter (1 of 4 stars). 2 submissions from 2 submitters: Uncertain significance (1). 1 of the submissions does not count toward it. Last evaluated 2022-06-23.

Conditions:
LEPR-related disorder. Also called: LEPR-related disorders; LEPR-related condition.
Obesity due to leptin receptor gene deficiency. Identifiers: Orphanet 179494, MedGen C3554225, MONDO:0013992, OMIM 614963.

Allele frequency attached by ClinVar (database versions not stated): ExAC 0.00001; gnomAD 0.00001; TOPMed 0.00001.
gnomAD v4.1: 10 of 1,590,686 alleles (0.00063%); highest among the groups gnomAD compares: Middle Eastern, 0.017%; no homozygotes.

Submissions (2):

MGZ Medical Genetics Center
Classification: Uncertain significance for Obesity due to leptin receptor gene deficiency. Last evaluated: 2022-06-23. Review status: criteria provided, single submitter. Criteria: ACMG Guidelines, 2015. Collection method: clinical testing. Allele origin: germline. Affected: yes. Observed: 1 variant allele.
Comment: ACMG criteria applied: PM2_SUP, BP4

PreventionGenetics, part of Exact Sciences
Classification: Uncertain significance for LEPR-related condition. Last evaluated: 2024-07-05. Review status: no assertion criteria provided. Collection method: clinical testing. Allele origin: germline. Not counted in ClinVar's aggregate classification.
Comment: The LEPR c.421A>G variant is predicted to result in the amino acid substitution p.Ile141Val. To our knowledge, this variant has not been reported in the literature. This variant is reported in 0.0027% of alleles in individuals of European (Non-Finnish) descent in gnomAD. At this time, the clinical significance of this variant is uncertain due to the absence of conclusive functional and genetic evidence.

NM_002303.6(LEPR):c.421A>G (p.Ile141Val)

Gene: LEPR (leptin receptor; plus strand). Cytogenetic location: 1p31.3.
Variant type: single nucleotide variant.
Coding change: c.421A>G on transcript NM_002303.6 (MANE Select); coding-DNA position 421, A replaced by G.
Protein change: p.Ile141Val; replaces isoleucine 141 with valine.
Molecular consequence: missense variant.
Genome position (GRCh38, 1-based): chr1:65,572,376, A>G. VCF-style: chr1-65572376-A-G. GRCh37 (hg19) VCF-style: chr1-66038059-A-G.
Other names: c.421A>G, p.Ile141Val (NM_001003679.3, NM_001003680.3, NM_001198687.2 and 2 more transcripts); short protein forms I141V.
Identifiers: ClinVar variation 1709580 (VCV001709580.3), dbSNP rs759764704, ClinGen allele CA894552.